The following is an entry in ClinVar:

NM_000361.3(THBD):c.731A>G (p.Asp244Gly)

Gene: THBD (thrombomodulin; minus strand). Cytogenetic location: 20p11.21.
Variant type: single nucleotide variant.
Coding change: c.731A>G on transcript NM_000361.3 (MANE Select); coding-DNA position 731, A replaced by G.
Protein change: p.Asp244Gly; replaces aspartic acid 244 with glycine.
Molecular consequence: missense variant.
Genome position (GRCh38, 1-based): chr20:23,048,774, T>C on the plus strand (A>G on the coding strand, the complement: THBD is on the minus strand). VCF-style: chr20-23048774-T-C. GRCh37 (hg19) VCF-style: chr20-23029411-T-C.
Other names: short protein forms D244G.
Identifiers: ClinVar variation 2185383 (VCV002185383.5), dbSNP rs1347459395, ClinGen allele CA408407067.

ClinVar aggregate classification (germline): Uncertain significance. Review status: criteria provided, multiple submitters, no conflicts (2 of 4 stars). 2 submissions from 2 submitters: Uncertain significance (2). Last evaluated 2024-02-19.

Conditions:
Atypical hemolytic-uremic syndrome with thrombomodulin anomaly. Also called: HEMOLYTIC UREMIC SYNDROME, ATYPICAL, SUSCEPTIBILITY TO, 6; AHUS, SUSCEPTIBILITY TO, 6. Identifiers: MedGen C2752036, MONDO:0013044, OMIM 612926. Disease mechanism: gain of function.
Thrombomodulin-related bleeding disorder (THPH12). Also called: Thrombophilia due to thrombomodulin defect. Identifiers: Orphanet 436169, MedGen C3280976, MONDO:0013775, OMIM 614486.

Allele frequency attached by ClinVar (database versions not stated): gnomAD exomes below 0.00001; gnomAD 0.00001; TOPMed 0.00002.
gnomAD v4.1: 4 of 1,550,134 alleles (0.00026%); highest among the groups gnomAD compares: African/African-American, 0.0041%; no homozygotes.

Submissions (2):

Fulgent Genetics
Classification: Uncertain significance for Atypical hemolytic-uremic syndrome with thrombomodulin anomaly; Thrombomodulin-related bleeding disorder. Last evaluated: 2024-02-19. Review status: criteria provided, single submitter. Criteria: ACMG Guidelines, 2015. Collection method: clinical testing. Allele origin: germline.

Labcorp Genetics (formerly Invitae), Labcorp
Classification: Uncertain significance. Last evaluated: 2023-08-11. Review status: criteria provided, single submitter. Criteria: Invitae Variant Classification Sherloc (09022015). Collection method: clinical testing. Allele origin: germline.
Comment: In summary, the available evidence is currently insufficient to determine the role of this variant in disease. Therefore, it has been classified as a Variant of Uncertain Significance. Advanced modeling of protein sequence and biophysical properties (such as structural, functional, and spatial information, amino acid conservation, physicochemical variation, residue mobility, and thermodynamic stability) performed at Invitae indicates that this missense variant is expected to disrupt THBD protein function. ClinVar contains an entry for this variant (Variation ID: 2185383). This variant has not been reported in the literature in individuals affected with THBD-related conditions. This variant is not present in population databases (gnomAD no frequency). This sequence change replaces aspartic acid, which is acidic and polar, with glycine, which is neutral and non-polar, at codon 244 of the THBD protein (p.Asp244Gly).